The following is an entry in ClinVar:

NM_001044385.3(TMEM237):c.*969A>G

Gene: TMEM237 (transmembrane protein 237; minus strand). Cytogenetic location: 2q33.1.
Variant type: single nucleotide variant.
Coding change: c.*969A>G on transcript NM_001044385.3 (MANE Select); 969 bases downstream of the stop codon, A replaced by G.
Molecular consequence: 3 prime UTR variant.
Genome position (GRCh38, 1-based): chr2:201,623,286, T>C on the plus strand (A>G on the coding strand, the complement: TMEM237 is on the minus strand). VCF-style: chr2-201623286-T-C. GRCh37 (hg19) VCF-style: chr2-202488009-T-C.
Other names: c.*969A>G (NM_152388.4).
Identifiers: ClinVar variation 896186 (VCV000896186.28), dbSNP rs137925244, ClinGen allele CA63949530.

ClinVar aggregate classification (germline): Conflicting classifications of pathogenicity. Review status: criteria provided, conflicting classifications (1 of 4 stars). 2 submissions from 2 submitters: Uncertain significance (1); Likely benign (1). Last evaluated 2023-06-01.

Conditions:
Joubert syndrome 14 (JBTS14). Identifiers: MedGen C3280766, MONDO:0013745, OMIM 614424.

Allele frequency attached by ClinVar (database versions not stated): 1000 Genomes Project 0.00120; 1000 Genomes Project 30x 0.00125; TOPMed 0.00331; gnomAD 0.00461 and 0.00484; gnomAD exomes 0.00467.
gnomAD v4.1: 1,888 of 406,180 alleles (0.46%); highest among the groups gnomAD compares: Non-Finnish European, 0.61%; 15 homozygotes.

Submissions (2):

CeGaT Center for Human Genetics Tuebingen
Classification: Likely benign. Last evaluated: 2023-06-01. Review status: criteria provided, single submitter. Criteria: CeGaT Center For Human Genetics Tuebingen Variant Classification Criteria Version 2. Collection method: clinical testing. Allele origin: germline. Affected: yes. Observed: 3 variant alleles.
Comment: TMEM237: BS2

Illumina Laboratory Services, Illumina
Classification: Uncertain significance for Joubert syndrome 14. Last evaluated: 2018-01-12. Review status: criteria provided, single submitter. Criteria: ICSL Variant Classification Criteria 13 December 2019. Collection method: clinical testing. Allele origin: germline.